The following is an entry in ClinVar:

ClinVar aggregate classification (germline): Conflicting classifications of pathogenicity. Review status: criteria provided, conflicting classifications (1 of 4 stars). 3 submissions from 3 submitters: Uncertain significance (2); Likely benign (1). Last evaluated 2026-06-22.

gnomAD v4.1: 26 of 1,205,978 alleles (0.0022%); highest among the groups gnomAD compares: Admixed American, 0.0067%; no homozygotes.

Submissions (3):

Women's Health and Genetics/Laboratory Corporation of America, LabCorp
Classification: Uncertain significance. Last evaluated: 2026-06-22. Review status: criteria provided, single submitter. Criteria: LabCorp Variant Classification Summary - May 2015. Collection method: clinical testing. Allele origin: germline.
Comment: Variant summary: WNK3 c.4121A>G (p.Lys1374Arg) results in a conservative amino acid change in the encoded protein sequence. Algorithms developed to predict the effect of missense changes on protein structure and function all suggest that this variant is likely to be tolerated. The variant allele was found at a frequency of 3.4e-05 in 175232 control chromosomes, including 2 hemizygotes. The available data on variant occurrences in the general population are insufficient to allow any conclusion about variant significance. To our knowledge, no occurrence of c.4121A>G in individuals affected with WNK3-related conditions and no experimental evidence demonstrating its impact on protein function have been reported. ClinVar contains an entry for this variant (Variation ID: 4201946). Based on the evidence outlined above, the variant was classified as uncertain significance.

CeGaT Center for Human Genetics Tuebingen
Classification: Likely benign. Last evaluated: 2026-06-01. Review status: criteria provided, single submitter. Criteria: CeGaT Center For Human Genetics Tuebingen Variant Classification Criteria Version 2. Collection method: clinical testing. Allele origin: germline. Affected: yes. Observed: 1 variant allele.
Comment: WNK3: BP4, BS2

Ambry Genetics
Classification: Uncertain significance. Last evaluated: 2025-08-28. Review status: criteria provided, single submitter. Criteria: Ambry Variant Classification Scheme 2023. Collection method: clinical testing. Allele origin: germline.

NM_020922.5(WNK3):c.4121A>G (p.Lys1374Arg)

Gene: WNK3 (WNK lysine deficient protein kinase 3; minus strand). Cytogenetic location: Xp11.22.
Variant type: single nucleotide variant.
Coding change: c.4121A>G on transcript NM_020922.5 (MANE Select); coding-DNA position 4121, A replaced by G.
Protein change: p.Lys1374Arg; replaces lysine 1374 with arginine.
Molecular consequence: missense variant.
Genome position (GRCh38, 1-based): chrX:54,237,445, T>C on the plus strand (A>G on the coding strand, the complement: WNK3 is on the minus strand). VCF-style: chrX-54237445-T-C. GRCh37 (hg19) VCF-style: chrX-54263878-T-C.
Other names: c.3980A>G, p.Lys1327Arg (NM_001002838.4, NM_001395166.1); short protein forms K1327R, K1374R.
Identifiers: ClinVar variation 4201946 (VCV004201946.4).